The following is an entry in ClinVar:

NM_014946.4(SPAST):c.1099-5T>A

Gene: SPAST (spastin; plus strand). Cytogenetic location: 2p22.3.
Variant type: single nucleotide variant.
Coding change: c.1099-5T>A on transcript NM_014946.4 (MANE Select); 5 bases into the intron before coding-DNA position 1099, T replaced by A.
Molecular consequence: intron variant.
Genome position (GRCh38, 1-based): chr2:32,126,943, T>A. VCF-style: chr2-32126943-T-A. GRCh37 (hg19) VCF-style: chr2-32352012-T-A.
Other names: c.1003-5T>A (NM_199436.2, NM_001377959.1); c.1096-5T>A (NM_001363823.2); c.1000-5T>A (NM_001363875.2).
Identifiers: ClinVar variation 4681906 (VCV004681906.5).

ClinVar aggregate classification (germline): Uncertain significance (1 of 4 stars; one submission).

Submission:

CeGaT Center for Human Genetics Tuebingen
Classification: Uncertain significance. Last evaluated: 2025-12-01. Review status: criteria provided, single submitter. Criteria: CeGaT Center For Human Genetics Tuebingen Variant Classification Criteria Version 2. Collection method: clinical testing. Allele origin: germline. Affected: yes. Observed: 1 variant allele.
Comment: SPAST: PM2